The following is an entry in ClinVar:

NM_020347.4(LZTFL1):c.361G>A (p.Glu121Lys)

Gene: LZTFL1 (leucine zipper transcription factor like 1; minus strand). Cytogenetic location: 3p21.31.
Variant type: single nucleotide variant.
Coding change: c.361G>A on transcript NM_020347.4 (MANE Select); coding-DNA position 361, G replaced by A.
Protein change: p.Glu121Lys; replaces glutamic acid 121 with lysine.
Molecular consequence: missense variant. On other transcripts: non-coding transcript variant (1).
Genome position (GRCh38, 1-based): chr3:45,834,261, C>T on the plus strand (G>A on the coding strand, the complement: LZTFL1 is on the minus strand). VCF-style: chr3-45834261-C-T. GRCh37 (hg19) VCF-style: chr3-45875753-C-T.
Other names: c.361G>A (NM_020347.3, NM_020347.2); c.310G>A, p.Glu104Lys (NM_001276378.2); c.349G>A, p.Glu117Lys (NM_001276379.2); short protein forms E104K, E117K, E121K.
Identifiers: ClinVar variation 1014254 (VCV001014254.9), dbSNP rs774285913, ClinGen allele CA2351958.

ClinVar aggregate classification (germline): Uncertain significance. Review status: criteria provided, multiple submitters, no conflicts (2 of 4 stars). 4 submissions from 4 submitters: Uncertain significance (4). Last evaluated 2025-06-05.

Conditions:
Bardet-Biedl syndrome 17 (BBS17). Identifiers: Orphanet 110, MedGen C3714980, MONDO:0014445, OMIM 615994.
LZTFL1-related disorder. Also called: LZTFL1-related condition.
Inborn genetic diseases. Identifiers: MedGen C0950123, MeSH D030342.

Allele frequency attached by ClinVar (database versions not stated): ExAC 0.00001; gnomAD 0.00001; gnomAD exomes 0.00001 and 0.00003; TOPMed 0.00001.
gnomAD v4.1: 15 of 1,596,142 alleles (0.00094%); highest among the groups gnomAD compares: Admixed American, 0.017%; no homozygotes.

Submissions (4):

PreventionGenetics, part of Exact Sciences
Classification: Uncertain significance for LZTFL1-related condition. Last evaluated: 2025-06-05. Review status: criteria provided, single submitter. Criteria: ACMG Guidelines, 2015. Collection method: clinical testing. Allele origin: germline.
Comment: The LZTFL1 c.361G>A variant is predicted to result in the amino acid substitution p.Glu121Lys. To our knowledge, this variant has not been reported in the literature. This variant is reported in 0.021% of alleles in individuals of Latino descent in gnomAD. At this time, the clinical significance of this variant is uncertain due to the absence of conclusive functional and genetic evidence.

Labcorp Genetics (formerly Invitae), Labcorp
Classification: Uncertain significance. Last evaluated: 2025-04-16. Review status: criteria provided, single submitter. Criteria: Invitae Variant Classification Sherloc (09022015). Collection method: clinical testing. Allele origin: germline.
Comment: This sequence change replaces glutamic acid, which is acidic and polar, with lysine, which is basic and polar, at codon 121 of the LZTFL1 protein (p.Glu121Lys). This variant is present in population databases (rs774285913, gnomAD 0.02%). This variant has not been reported in the literature in individuals affected with LZTFL1-related conditions. ClinVar contains an entry for this variant (Variation ID: 1014254). Invitae Evidence Modeling of protein sequence and biophysical properties (such as structural, functional, and spatial information, amino acid conservation, physicochemical variation, residue mobility, and thermodynamic stability) indicates that this missense variant is not expected to disrupt LZTFL1 protein function with a negative predictive value of 80%. In summary, the available evidence is currently insufficient to determine the role of this variant in disease. Therefore, it has been classified as a Variant of Uncertain Significance.

Fulgent Genetics
Classification: Uncertain significance for Bardet-Biedl syndrome 17. Last evaluated: 2024-02-09. Review status: criteria provided, single submitter. Criteria: ACMG Guidelines, 2015. Collection method: clinical testing. Allele origin: germline.

Ambry Genetics
Classification: Uncertain significance for Inborn genetic diseases. Last evaluated: 2023-12-18. Review status: criteria provided, single submitter. Criteria: Ambry Variant Classification Scheme 2023. Collection method: clinical testing. Allele origin: germline.